The following is an entry in ClinVar:

NM_000540.3(RYR1):c.3702C>T (p.Thr1234=)

Gene: RYR1 (ryanodine receptor 1; plus strand). Cytogenetic location: 19q13.2.
Variant type: single nucleotide variant.
Coding change: c.3702C>T on transcript NM_000540.3 (MANE Select); coding-DNA position 3702, C replaced by T.
Protein change: p.Thr1234=; no amino-acid change (threonine 1234 retained).
Molecular consequence: synonymous variant.
Genome position (GRCh38, 1-based): chr19:38,469,450, C>T. VCF-style: chr19-38469450-C-T. GRCh37 (hg19) VCF-style: chr19-38960090-C-T.
Other names: c.3702C>T, p.Thr1234= (NM_001042723.2).
Identifiers: ClinVar variation 808541 (VCV000808541.46), dbSNP rs1600720232, ClinGen allele CA507235110.

ClinVar aggregate classification (germline): Conflicting classifications of pathogenicity. Review status: criteria provided, conflicting classifications (1 of 4 stars). 3 submissions from 3 submitters: Uncertain significance (1); Likely benign (2). Last evaluated 2025-08-06.

Conditions:
RYR1-related disorder. Also called: RYR1-related condition; RYR1-related disorders. Identifiers: MedGen CN239331.
Malignant hyperthermia, susceptibility to, 1 (MHS1). Also called: Malignant hyperthermia suceptibility 1; RYR1-Related Malignant Hyperthermia Susceptibility; Anesthesia related hyperthermia; Malignant hyperpyrexia; Fulminating hyperpyrexia; Pharmacogenic myopathy. Identifiers: Orphanet 423, MedGen C2930980, MONDO:0007783, OMIM 145600.

Allele frequency attached by ClinVar (database versions not stated): gnomAD exomes below 0.00001.
gnomAD v4.1: 1 of 1,614,210 alleles (0.000062%); highest among the groups gnomAD compares: Non-Finnish European, 0.000085%; no homozygotes.

Submissions (3):

Labcorp Genetics (formerly Invitae), Labcorp
Classification: Likely benign for RYR1-related disorder. Last evaluated: 2025-08-06. Review status: criteria provided, single submitter. Criteria: Invitae Variant Classification Sherloc (09022015). Collection method: clinical testing. Allele origin: germline.

All of Us Research Program, National Institutes of Health
Classification: Uncertain significance for Malignant hyperthermia, susceptibility to, 1. Last evaluated: 2023-08-15. Review status: criteria provided, single submitter. Criteria: ACMG Guidelines, 2015. Collection method: clinical testing. Allele origin: germline. Inheritance: Autosomal dominant inheritance. Observed: 2 variant alleles, 2 heterozygotes.
Comment: This variant is located in the RYR1 protein. To our knowledge, functional studies have not been reported for this variant. This variant has not been reported in individuals affected with RYR1-related disorders in the literature. This variant has not been identified in the general population by the Genome Aggregation Database (gnomAD). The available evidence is insufficient to determine the role of this variant in disease conclusively. Therefore, this variant is classified as a Variant of Uncertain Significance.

This study involves interpretation of variants in research participants for the purpose of population health screening. Participant phenotype was not available at the time of variant classification. Additional details can be found in publication PMID: 35346344, PMCID: PMC8962531

CeGaT Center for Human Genetics Tuebingen
Classification: Likely benign. Last evaluated: 2019-05-01. Review status: criteria provided, single submitter. Criteria: CeGaT Center For Human Genetics Tuebingen Variant Classification Criteria Version 2. Collection method: clinical testing. Allele origin: germline. Affected: yes. Observed: 1 variant allele.